The following is an entry in ClinVar:

ClinVar aggregate classification (germline): Pathogenic (1 of 4 stars; one submission).

Submission:

Labcorp Genetics (formerly Invitae), Labcorp
Classification: Pathogenic. Last evaluated: 2023-05-20. Review status: criteria provided, single submitter. Criteria: Invitae Variant Classification Sherloc (09022015). Collection method: clinical testing. Allele origin: germline.
Comment: This sequence change creates a premature translational stop signal (p.Arg214Asnfs*8) in the CHM gene. It is expected to result in an absent or disrupted protein product. Loss-of-function variants in CHM are known to be pathogenic (PMID: 9067750, 23811034). This variant is not present in population databases (gnomAD no frequency). This premature translational stop signal has been observed in individual(s) with clinical features of choroideremia (PMID: 27070432). ClinVar contains an entry for this variant (Variation ID: 1458026). For these reasons, this variant has been classified as Pathogenic.

Literature cited by the submitters: PubMed 9067750; PubMed 23811034; PubMed 27070432.

NM_000390.4(CHM):c.641_642del (p.Arg214fs)

Gene: CHM (CHM Rab escort protein; minus strand). Cytogenetic location: Xq21.2.
Variant type: Deletion.
Coding change: c.641_642del on transcript NM_000390.4 (MANE Select); coding-DNA positions 641 to 642, 2 bases deleted (GA; older notation c.641_642delGA).
Protein change: p.Arg214fs; shifts the reading frame from arginine 214.
Molecular consequence: frameshift variant.
Genome position (GRCh38, 1-based): chrX:85,963,725-85,963,726, TC deleted on the plus strand (GA on the coding strand, the reverse complement: CHM is on the minus strand); deleting any 2 consecutive bases within chrX:85,963,725-85,963,727 gives the same sequence; the c. name uses the placement nearest the transcript's 3' end. VCF-style (leftmost placement, unchanged base first): chrX-85963724-TTC-T. GRCh37 (hg19) VCF-style: chrX-85218729-TTC-T.
Other names: c.197_198del, p.Arg66fs (NM_001320959.1, NM_001362517.1, NM_001362518.2 and 1 more transcripts); short protein forms R214fs, R66fs.
Identifiers: ClinVar variation 1458026 (VCV001458026.6), dbSNP rs2147675445, ClinGen allele CA2573159649.
Genomic context (GRCh38, chrX:85,963,724, plus strand): 5'-CCTTTGATACTAAATCAATATTAAATCTCCTGCCTTCTTTAATAATTTGTGAGTAAGTAA[TTC>T]TGTTTTTCTTTGGTTGCTCTGTGGTATCTTCTGCTATAGGCACATTTTCACTCATGTCTT-3'